The following is an entry in ClinVar:

NM_004947.5(DOCK3):c.2727C>T (p.Asp909=)

Gene: DOCK3 (dedicator of cytokinesis 3; plus strand). Cytogenetic location: 3p21.2.
Variant type: single nucleotide variant.
Coding change: c.2727C>T on transcript NM_004947.5 (MANE Select); coding-DNA position 2727, C replaced by T.
Protein change: p.Asp909=; no amino-acid change (aspartic acid 909 retained).
Molecular consequence: synonymous variant.
Genome position (GRCh38, 1-based): chr3:51,277,658, C>T. VCF-style: chr3-51277658-C-T. GRCh37 (hg19) VCF-style: chr3-51315089-C-T.
Identifiers: ClinVar variation 2653865 (VCV002653865.24), dbSNP rs781656330, ClinGen allele CA2421267.

ClinVar aggregate classification (germline): Likely benign (1 of 4 stars; one submission).

Allele frequency attached by ClinVar (database versions not stated): ExAC 0.00002; gnomAD exomes 0.00003; gnomAD 0.00005.
gnomAD v4.1: 43 of 1,595,118 alleles (0.0027%); highest among the groups gnomAD compares: African/African-American, 0.004%; no homozygotes.

Submission:

CeGaT Center for Human Genetics Tuebingen
Classification: Likely benign. Last evaluated: 2023-04-01. Review status: criteria provided, single submitter. Criteria: CeGaT Center For Human Genetics Tuebingen Variant Classification Criteria Version 2. Collection method: clinical testing. Allele origin: germline. Affected: yes. Observed: 1 variant allele.
Comment: DOCK3: BP4, BP7